The following is an entry in ClinVar:

NM_001035.3(RYR2):c.13163G>A (p.Gly4388Glu)

Genes: RYR2 (ryanodine receptor 2; plus strand), LOC126806068 (BRD4-independent group 4 enhancer GRCh37_chr1:237947411-237948610; plus strand). Cytogenetic location: 1q43.
Variant type: single nucleotide variant.
Coding change: c.13163G>A on transcript NM_001035.3 (MANE Select); coding-DNA position 13163, G replaced by A.
Protein change: p.Gly4388Glu; replaces glycine 4388 with glutamic acid.
Molecular consequence: missense variant.
Genome position (GRCh38, 1-based): chr1:237,784,875, G>A. VCF-style: chr1-237784875-G-A. GRCh37 (hg19) VCF-style: chr1-237948175-G-A.
Other names: short protein forms G4388E.
Identifiers: ClinVar variation 1002517 (VCV001002517.10), dbSNP rs1695420157, ClinGen allele CA345415485.

ClinVar aggregate classification (germline): Uncertain significance (1 of 4 stars; one submission).

Conditions:
Catecholaminergic polymorphic ventricular tachycardia 1. Also called: RYR2-Related Catecholaminergic Polymorphic Ventricular Tachycardia; VENTRICULAR TACHYCARDIA, CATECHOLAMINERGIC POLYMORPHIC, 1, WITH OR WITHOUT ATRIAL DYSFUNCTION AND/OR DILATED CARDIOMYOPATHY; VENTRICULAR TACHYCARDIA, STRESS-INDUCED POLYMORPHIC 1. Identifiers: Orphanet 3286, MedGen C1631597, MONDO:0011484, OMIM 604772.

Submission:

Labcorp Genetics (formerly Invitae), Labcorp
Classification: Uncertain significance for Catecholaminergic polymorphic ventricular tachycardia 1. Last evaluated: 2020-10-27. Review status: criteria provided, single submitter. Criteria: Invitae Variant Classification Sherloc (09022015). Collection method: clinical testing. Allele origin: germline.
Comment: This sequence change replaces glycine with glutamic acid at codon 4388 of the RYR2 protein (p.Gly4388Glu). The glycine residue is highly conserved and there is a moderate physicochemical difference between glycine and glutamic acid. This variant is not present in population databases (ExAC no frequency). This variant has not been reported in the literature in individuals with RYR2-related conditions. Advanced modeling of protein sequence and biophysical properties (such as structural, functional, and spatial information, amino acid conservation, physicochemical variation, residue mobility, and thermodynamic stability) performed at Invitae indicates that this missense variant is expected to disrupt RYR2 protein function. In summary, the available evidence is currently insufficient to determine the role of this variant in disease. Therefore, it has been classified as a Variant of Uncertain Significance.